The following is an entry in ClinVar:

ClinVar aggregate classification (germline): Uncertain significance. Review status: criteria provided, multiple submitters, no conflicts (2 of 4 stars). 2 submissions from 2 submitters: Uncertain significance (2). Last evaluated 2025-05-20.

Conditions:
Inborn genetic diseases. Identifiers: MedGen C0950123, MeSH D030342.

Submissions (2):

Ambry Genetics
Classification: Uncertain significance for Inborn genetic diseases. Last evaluated: 2025-05-20. Review status: criteria provided, single submitter. Criteria: Ambry Variant Classification Scheme 2023. Collection method: clinical testing. Allele origin: germline.

GeneDx
Classification: Uncertain significance. Last evaluated: 2020-01-22. Review status: criteria provided, single submitter. Criteria: GeneDx Variant Classification Process June 2021. Collection method: clinical testing. Allele origin: germline. Affected: yes.
Comment: Not observed at a significant frequency in large population cohorts (Lek et al., 2016); In silico analysis, which includes protein predictors and evolutionary conservation, supports a deleterious effect; Has not been previously published as pathogenic or benign to our knowledge

NM_014738.6(TMEM94):c.3997C>T (p.Arg1333Trp)

Gene: TMEM94 (transmembrane protein 94; plus strand). Cytogenetic location: 17q25.1.
Variant type: single nucleotide variant.
Coding change: c.3997C>T on transcript NM_014738.6 (MANE Select); coding-DNA position 3997, C replaced by T.
Protein change: p.Arg1333Trp; replaces arginine 1333 with tryptophan.
Molecular consequence: missense variant.
Genome position (GRCh38, 1-based): chr17:75,499,081, C>T. VCF-style: chr17-75499081-C-T. GRCh37 (hg19) VCF-style: chr17-73495162-C-T.
Other names: c.4027C>T, p.Arg1343Trp (NM_001321148.2); c.4009C>T, p.Arg1337Trp (NM_001321149.2); c.3949C>T, p.Arg1317Trp (NM_001351202.2); c.4024C>T, p.Arg1342Trp (NM_001351203.2); c.3997C>T (NM_014738.4); short protein forms R1317W, R1333W, R1337W, R1342W, R1343W.
Identifiers: ClinVar variation 1213415 (VCV001213415.6), dbSNP rs756284172, ClinGen allele CA401018605.
Genomic context (GRCh38, chr17:75,499,081, plus strand): 5'-GGCTGCCTGTCCCTGGTCCTTGTGGTGGTGACCAATGAGATCGTGAAGCTACATGAGATT[C>T]GGTGAGCTGTCAGCAGGGCGCCTCCCTCTGGGCTCAGGCATGTTCCCTAAACCTGTTACT-3'
Protein context (NP_055553.3, residues 1323-1343): TNEIVKLHEI[Arg1333Trp]VRVRYQKRQK